The following is an entry in ClinVar:

NM_000651.6(CR1):c.6151A>G (p.Arg2051Gly)

Gene: CR1 (complement C3b/C4b receptor 1 (Knops blood group); plus strand). Cytogenetic location: 1q32.2.
Variant type: single nucleotide variant.
Coding change: c.6151A>G on transcript NM_000651.6 (MANE Select); coding-DNA position 6151, A replaced by G.
Protein change: p.Arg2051Gly; replaces arginine 2051 with glycine.
Molecular consequence: missense variant.
Genome position (GRCh38, 1-based): chr1:207,609,544, A>G. VCF-style: chr1-207609544-A-G. GRCh37 (hg19) VCF-style: chr1-207782889-A-G.
Other names: c.4801A>G, p.Arg1601Gly (NM_000573.4, NM_001381851.1); short protein forms R1601G, R2051G.
Identifiers: ClinVar variation 3056679 (VCV003056679.2), dbSNP rs17047661, ClinGen allele CA1370362.

ClinVar aggregate classification (germline): Benign (0 of 4 stars; one submission).

Conditions:
CR1-related disorder. Also called: CR1-related condition.

Allele frequency attached by ClinVar (database versions not stated): gnomAD exomes 0.01820; ExAC 0.05483; gnomAD 0.17682; ESP Exome Variant Server 0.18201; 1000 Genomes Project 0.19649; TOPMed 0.20018; 1000 Genomes Project 30x 0.20784.
gnomAD v4.1: 54,785 of 1,613,794 alleles (3.4%); highest among the groups gnomAD compares: African/African-American, 62%; 14,885 homozygotes.

Submission:

PreventionGenetics, part of Exact Sciences
Classification: Benign for CR1-related condition. Last evaluated: 2019-11-07. Review status: no assertion criteria provided. Collection method: clinical testing. Allele origin: germline.
Comment: This variant is classified as benign based on ACMG/AMP sequence variant interpretation guidelines (Richards et al. 2015 PMID: 25741868, with internal and published modifications).